The following is an entry in ClinVar:

ClinVar aggregate classification (germline): Uncertain significance (1 of 4 stars; one submission).

Conditions:
Familial thoracic aortic aneurysm and aortic dissection (TAAD). Also called: Thoracic aortic aneurysms and dissections. Identifiers: Orphanet 91387, MedGen C4707243, MONDO:0019625.

Submission:

Ambry Genetics
Classification: Uncertain significance for Familial thoracic aortic aneurysm and aortic dissection. Last evaluated: 2016-04-20. Review status: criteria provided, single submitter. Criteria: Ambry Variant Classification Scheme 2023. Collection method: clinical testing. Allele origin: germline.
Comment: The c.579G>T variant (also known as p.R193S), located in coding exon 5 of the PLOD1 gene, results from a G to T substitution at nucleotide position 579. This change occurs in the last base pair of coding exon 5, which makes it likely to have some effect on normal mRNA splicing. In addition to potential splicing impact, this alteration changes the arginine at codon 193 to serine, an amino acid with dissimilar properties. This variant was not reported in population based cohorts in the following databases: Database of Single Nucleotide Polymorphisms (dbSNP), NHLBI Exome Sequencing Project (ESP), and 1000 Genomes Project. In the ESP, this variant was not observed in 6503 samples (13006 alleles) with coverage at this position. This nucleotide position is not well conserved in available vertebrate species. This amino acid position is highly conserved in available vertebrate species. Using the BDGP and ESEfinder splice site prediction tools, this alteration is predicted to weaken the efficiency of the native splice donor site; however, direct experimental evidence is unavailable. In addition, this alteration is predicted to be deleterious by in silico analysis. Since supporting evidence is limited at this time, the clinical significance of this variant remains unclear.

NM_000302.4(PLOD1):c.579G>T (p.Arg193Ser)

Gene: PLOD1 (procollagen-lysine,2-oxoglutarate 5-dioxygenase 1; plus strand). Cytogenetic location: 1p36.22.
Variant type: single nucleotide variant.
Coding change: c.579G>T on transcript NM_000302.4 (MANE Select); coding-DNA position 579, G replaced by T.
Protein change: p.Arg193Ser; replaces arginine 193 with serine.
Molecular consequence: missense variant.
Genome position (GRCh38, 1-based): chr1:11,952,735, G>T. VCF-style: chr1-11952735-G-T. GRCh37 (hg19) VCF-style: chr1-12012792-G-T.
Other names: c.720G>T, p.Arg240Ser (NM_001316320.2); short protein forms R193S, R240S.
Identifiers: ClinVar variation 520107 (VCV000520107.5), dbSNP rs1553134266, ClinGen allele CA338428494.